The following is an entry in ClinVar:

NM_004281.4(BAG3):c.512C>A (p.Ser171Tyr)

Gene: BAG3 (BAG cochaperone 3; plus strand). Cytogenetic location: 10q26.11.
Variant type: single nucleotide variant.
Coding change: c.512C>A on transcript NM_004281.4 (MANE Select); coding-DNA position 512, C replaced by A.
Protein change: p.Ser171Tyr; replaces serine 171 with tyrosine.
Molecular consequence: missense variant.
Genome position (GRCh38, 1-based): chr10:119,672,259, C>A. VCF-style: chr10-119672259-C-A. GRCh37 (hg19) VCF-style: chr10-121431771-C-A.
Other names: short protein forms S171Y.
Identifiers: ClinVar variation 1445359 (VCV001445359.6), dbSNP rs794728978, ClinGen allele CA378295243.
Genomic context (GRCh38, chr10:119,672,259, plus strand): 5'-GCCAAGCCAGGGGAGTCATTTGTGGGGTCATGCCCTCTACCCTGTGTCTCTTGCAGCGGT[C>A]CCAGTCTCCAGCTGCCTCTGACTGCTCATCCTCATCCTCCTCGGCCAGCCTGCCTTCCTC-3'
Protein context (NP_004272.2, residues 161-181): QPPASHGPER[Ser171Tyr]QSPAASDCSS

ClinVar aggregate classification (germline): Uncertain significance (1 of 4 stars; one submission).

Conditions:
Myofibrillar myopathy 6. Identifiers: Orphanet 199340, MedGen C2751831, MONDO:0013061, OMIM 612954.
Dilated cardiomyopathy 1HH (CMD1HH). Identifiers: Orphanet 154, MedGen C3151293, MONDO:0013479, OMIM 613881.

Submission:

Labcorp Genetics (formerly Invitae), Labcorp
Classification: Uncertain significance for Dilated cardiomyopathy 1HH; Myofibrillar myopathy 6. Last evaluated: 2021-10-27. Review status: criteria provided, single submitter. Criteria: Invitae Variant Classification Sherloc (09022015). Collection method: clinical testing. Allele origin: germline.
Comment: In summary, the available evidence is currently insufficient to determine the role of this variant in disease. Therefore, it has been classified as a Variant of Uncertain Significance. Algorithms developed to predict the effect of missense changes on protein structure and function are either unavailable or do not agree on the potential impact of this missense change (SIFT: "Tolerated"; PolyPhen-2: "Probably Damaging"; Align-GVGD: "Class C0"). This variant has not been reported in the literature in individuals affected with BAG3-related conditions. This variant is not present in population databases (gnomAD no frequency). This sequence change replaces serine, a(n) neutral and polar amino acid, with tyrosine, a(n) neutral and polar amino acid, at codon 171 of the BAG3 protein (p.Ser171Tyr).